The following is an entry in ClinVar:

NM_000718.4(CACNA1B):c.2477C>T (p.Ala826Val)

Gene: CACNA1B (calcium voltage-gated channel subunit alpha1 B; plus strand). Cytogenetic location: 9q34.3.
Variant type: single nucleotide variant.
Coding change: c.2477C>T on transcript NM_000718.4 (MANE Select); coding-DNA position 2477, C replaced by T.
Protein change: p.Ala826Val; replaces alanine 826 with valine.
Molecular consequence: missense variant.
Genome position (GRCh38, 1-based): chr9:138,023,220, C>T. VCF-style: chr9-138023220-C-T. GRCh37 (hg19) VCF-style: chr9-140917672-C-T.
Other names: c.2477C>T, p.Ala826Val (NM_001243812.2); short protein forms A826V.
Identifiers: ClinVar variation 1916017 (VCV001916017.4), dbSNP rs1184420674, ClinGen allele CA375809482.

ClinVar aggregate classification (germline): Uncertain significance (1 of 4 stars; one submission).

Allele frequency attached by ClinVar (database versions not stated): TOPMed below 0.00001; gnomAD 0.00001; gnomAD exomes 0.00001.
gnomAD v4.1: 4 of 1,509,778 alleles (0.00026%); highest among the groups gnomAD compares: East Asian, 0.0052%; no homozygotes.

Submission:

Labcorp Genetics (formerly Invitae), Labcorp
Classification: Uncertain significance. Last evaluated: 2022-02-13. Review status: criteria provided, single submitter. Criteria: Invitae Variant Classification Sherloc (09022015). Collection method: clinical testing. Allele origin: germline.
Comment: This sequence change replaces alanine, which is neutral and non-polar, with valine, which is neutral and non-polar, at codon 826 of the CACNA1B protein (p.Ala826Val). In summary, the available evidence is currently insufficient to determine the role of this variant in disease. Therefore, it has been classified as a Variant of Uncertain Significance. Advanced modeling of protein sequence and biophysical properties (such as structural, functional, and spatial information, amino acid conservation, physicochemical variation, residue mobility, and thermodynamic stability) performed at Invitae indicates that this missense variant is not expected to disrupt CACNA1B protein function. This variant has not been reported in the literature in individuals affected with CACNA1B-related conditions. The frequency data for this variant in the population databases is considered unreliable, as metrics indicate poor data quality at this position in the gnomAD database.